The following is an entry in ClinVar:

ClinVar aggregate classification (germline): not provided (0 of 4 stars; one submission).

Conditions:
Normal pregnancy. Identifiers: MedGen C0232989.

Submission:

Institute of Molecular and Cell Biology, University of Tartu
No classification provided. Condition: Normal pregnancy. Review status: no classification provided. Collection method: case-control. Allele origin: unknown. Affected: yes. Study: Kasak2014.
Comment: The study aimed to determine the contribution of copy number variants in the genetic etiology of normal and complicated pregnancies. The samples represented (i) maternal blood DNA drawn from healthy pregnant women during 1st or 2nd trimester and (ii) maternal and paternal blood DNA drawn at term pregnancy cases representing normal and complicated gestations (severe preeclampsia, PE; gestational diabetes, GD; small-for-gestational age newborn, SGA; large-for-gestational age newborn, LGA). We performed CNV calling based on genome-wide genotyping dataset (Illumina HumanOmniExpress-24-v1 BeadChip) by applying three algorithms, QuantiSNP, GADA (Genome Alteration Detection Algorithm) and CNstream in parallel. The acquired CNV calls were merged with HD-CNV (Hotspot Detector for Copy Number Variants) program and only the CNVs predicted by at least two programs, were considered in subsequent analysis.

Literature cited by the submitters: PubMed 25666259.

NM_020883.2(ZSWIM5):c.595+26359_595+34536del

Gene: ZSWIM5 (zinc finger SWIM-type containing 5; minus strand). Cytogenetic location: 1p34.1.
Variant type: Deletion.
Coding change: c.595+26359_595+34536del on transcript NM_020883.2 (MANE Select); bases 26359 to 34536 of the intron after coding-DNA position 595, 8,178 bases deleted.
Molecular consequence: intron variant.
Genome position (GRCh38, 1-based): chr1:45,171,220-45,179,397, 8,178 bases deleted. GRCh37 (hg19): chr1:45,636,894-45,645,071.
Identifiers: ClinVar variation 156736 (VCV000156736.2), ClinGen allele CA211947.